The following is an entry in ClinVar:

ClinVar aggregate classification (germline): Uncertain significance. Review status: criteria provided, multiple submitters, no conflicts (2 of 4 stars). 3 submissions from 3 submitters: Uncertain significance (3). Last evaluated 2026-01-16.

Conditions:
CREBBP-related disorder. Also called: CREBBP-related condition; CREBBP-related disorders.
Rubinstein-Taybi syndrome (RSTS). Identifiers: Orphanet 783, MedGen C0035934, MONDO:0019188.

Submissions (3):

PreventionGenetics, part of Exact Sciences
Classification: Uncertain significance for CREBBP-related condition. Last evaluated: 2026-01-16. Review status: criteria provided, single submitter. Criteria: ACMG Guidelines, 2015. Collection method: clinical testing. Allele origin: germline.
Comment: The CREBBP c.6343_6360dup18 variant is predicted to result in an in-frame duplication (p.Met2115_Gly2120dup). To our knowledge, this variant has not been reported in the literature or in a large population database (gnomAD), indicating this variant is rare. At this time, the clinical significance of this variant is uncertain due to the absence of conclusive functional and genetic evidence.

GeneDx
Classification: Uncertain significance. Last evaluated: 2025-09-13. Review status: criteria provided, single submitter. Criteria: GeneDx Variant Classification Process June 2021. Collection method: clinical testing. Allele origin: germline. Affected: yes.
Comment: Not observed at significant frequency in large population cohorts (gnomAD); In-frame deletion of 6 amino acids in a non-repeat region; Has not been previously published as pathogenic or benign to our knowledge; This variant is associated with the following publications: (PMID: 8616895)

Labcorp Genetics (formerly Invitae), Labcorp
Classification: Uncertain significance for Rubinstein-Taybi syndrome. Last evaluated: 2025-02-17. Review status: criteria provided, single submitter. Criteria: Invitae Variant Classification Sherloc (09022015). Collection method: clinical testing. Allele origin: germline.
Comment: This variant, c.6343_6360dup, results in the insertion of 6 amino acid(s) of the CREBBP protein (p.Met2115_Gly2120dup), but otherwise preserves the integrity of the reading frame. This variant is not present in population databases (gnomAD no frequency). This variant has not been reported in the literature in individuals affected with CREBBP-related conditions. ClinVar contains an entry for this variant (Variation ID: 2581762). In summary, the available evidence is currently insufficient to determine the role of this variant in disease. Therefore, it has been classified as a Variant of Uncertain Significance.

NM_004380.3(CREBBP):c.6343_6360dup (p.Gly2120_Leu2121insMetGlnProGlnProGly)

Gene: CREBBP (CREB binding lysine acetyltransferase; minus strand). Cytogenetic location: 16p13.3.
Variant type: Duplication.
Coding change: c.6343_6360dup on transcript NM_004380.3 (MANE Select); coding-DNA positions 6343 to 6360, 18 bases duplicated (ATGCAGCCCCAGCCTGGC).
Protein change: p.Gly2120_Leu2121insMetGlnProGlnProGly.
Molecular consequence: inframe insertion.
Genome position (GRCh38, 1-based): chr16:3,728,687-3,728,704, GCCAGGCTGGGGCTGCAT duplicated on the plus strand (ATGCAGCCCCAGCCTGGC on the coding strand, the reverse complement: CREBBP is on the minus strand); duplicating any 18 consecutive bases within chr16:3,728,687-3,728,707 gives the same sequence; the c. name uses the placement nearest the transcript's 3' end. VCF-style (leftmost placement, unchanged base first): chr16-3728686-G-GGCCAGGCTGGGGCTGCAT. GRCh37 (hg19) VCF-style: chr16-3778687-G-GGCCAGGCTGGGGCTGCAT.
Other names: c.6229_6246dup, p.Gly2082_Leu2083insMetGlnProGlnProGly (NM_001079846.1); c.6343_6360dup18 (NM_004380.2).
Identifiers: ClinVar variation 2581762 (VCV002581762.6), dbSNP rs2051821964, ClinGen allele CA973904144.